The following is an entry in ClinVar:

NM_177438.3(DICER1):c.5568A>G (p.Glu1856=)

Gene: DICER1 (dicer 1, ribonuclease III; minus strand). Cytogenetic location: 14q32.13.
Variant type: single nucleotide variant.
Coding change: c.5568A>G on transcript NM_177438.3 (MANE Select); coding-DNA position 5568, A replaced by G.
Protein change: p.Glu1856=; no amino-acid change (glutamic acid 1856 retained).
Molecular consequence: synonymous variant. On other transcripts: missense variant (1).
Genome position (GRCh38, 1-based): chr14:95,091,069, T>C on the plus strand (A>G on the coding strand, the complement: DICER1 is on the minus strand). VCF-style: chr14-95091069-T-C. GRCh37 (hg19) VCF-style: chr14-95557406-T-C.
Other names: c.5405A>G, p.Asn1802Ser (NM_001195573.1); c.5568A>G, p.Glu1856= (NM_001271282.3, NM_001291628.2, NM_030621.4); short protein forms N1802S.
Identifiers: ClinVar variation 749630 (VCV000749630.16), dbSNP rs1595312834, ClinGen allele CA390864229.
Genomic context (GRCh38, chr14:95,091,069, plus strand): 5'-TTTTCCATGTACATTTTTTGCTTACCTAAATTTGGCAGTTTCTGGTTCCATTTCAAGCAA[T>C]TCTCGCACAGGGGAACGGGGTACATTTGCAGAAAACTTTTCTGCAATCAAAATGAAAGAA-3'
Protein context (NP_803187.1, residues 1846-1866): SANVPRSPVR[Glu1856=]LLEMEPETAK

ClinVar aggregate classification (germline): Benign/Likely benign. Review status: criteria provided, multiple submitters, no conflicts (2 of 4 stars). 3 submissions from 3 submitters: Benign (1); Likely benign (2). Last evaluated 2026-04-21.

Conditions:
Hereditary cancer-predisposing syndrome. Also called: Tumor predisposition; Hereditary Cancer Syndrome; Hereditary neoplastic syndrome; Neoplastic Syndromes, Hereditary. Identifiers: Orphanet 140162, MedGen C0027672, MeSH D009386, MONDO:0015356.
DICER1-related tumor predisposition. Also called: DICER1 syndrome; DICER1-related pleuropulmonary blastoma cancer predisposition syndrome. Identifiers: Orphanet 284343, MedGen C3839822, MONDO:0100216.

Submissions (3):

Myriad Genetics, Inc.
Classification: Benign for DICER1-related tumor predisposition. Last evaluated: 2026-04-21. Review status: criteria provided, single submitter. Criteria: Myriad Autosomal Dominant, Autosomal Recessive and X-Linked Classification Criteria (2023). Collection method: clinical testing. Allele origin: unknown.
Comment: This variant is considered benign. This variant is a silent/synonymous amino acid change and it is not expected to impact splicing.

Labcorp Genetics (formerly Invitae), Labcorp
Classification: Likely benign for DICER1-related tumor predisposition. Last evaluated: 2025-12-24. Review status: criteria provided, single submitter. Criteria: Invitae Variant Classification Sherloc (09022015). Collection method: clinical testing. Allele origin: germline.

Ambry Genetics
Classification: Likely benign for Hereditary cancer-predisposing syndrome. Last evaluated: 2019-05-20. Review status: criteria provided, single submitter. Criteria: Ambry Variant Classification Scheme 2023. Collection method: clinical testing. Allele origin: germline.